The following is an entry in ClinVar:

NM_021008.4(DEAF1):c.1083A>G (p.Ile361Met)

Gene: DEAF1 (DEAF1 transcription factor; minus strand). Cytogenetic location: 11p15.5.
Variant type: single nucleotide variant.
Coding change: c.1083A>G on transcript NM_021008.4 (MANE Select); coding-DNA position 1083, A replaced by G.
Protein change: p.Ile361Met; replaces isoleucine 361 with methionine.
Molecular consequence: missense variant.
Genome position (GRCh38, 1-based): chr11:679,731, T>C on the plus strand (A>G on the coding strand, the complement: DEAF1 is on the minus strand). VCF-style: chr11-679731-T-C. GRCh37 (hg19) VCF-style: chr11-679731-T-C.
Other names: c.816A>G, p.Ile272Met (NM_001293634.2); c.357A>G, p.Ile119Met (NM_001367390.1); short protein forms I272M, I119M, I361M.
Identifiers: ClinVar variation 3678714 (VCV003678714.2).
Genomic context (GRCh38, chr11:679,731, plus strand): 5'-GCACTGGAGCAGCTCACCTGTGGCCCCTGCGAAGACGTCGCCCTGGGCCGGACTCTCTGA[T>C]ATGACAGCAGTGGCCTCTACCGTGGACGCTCGGTCAAAGGTCAGTGCCCCCGAGGTCGTG-3'
Protein context (NP_066288.2, residues 351-371): RASTVEATAV[Ile361Met]SESPAQGDVF

ClinVar aggregate classification (germline): Uncertain significance (1 of 4 stars; one submission).

gnomAD v4.1: 4 of 1,613,684 alleles (0.00025%); highest among the groups gnomAD compares: African/African-American, 0.0013%; no homozygotes.

Submission:

Labcorp Genetics (formerly Invitae), Labcorp
Classification: Uncertain significance. Last evaluated: 2024-03-27. Review status: criteria provided, single submitter. Criteria: Invitae Variant Classification Sherloc (09022015). Collection method: clinical testing. Allele origin: germline.
Comment: This sequence change replaces isoleucine, which is neutral and non-polar, with methionine, which is neutral and non-polar, at codon 361 of the DEAF1 protein (p.Ile361Met). This variant is present in population databases (no rsID available, gnomAD 0.007%). This variant has not been reported in the literature in individuals affected with DEAF1-related conditions. Advanced modeling of protein sequence and biophysical properties (such as structural, functional, and spatial information, amino acid conservation, physicochemical variation, residue mobility, and thermodynamic stability) has been performed at Invitae for this missense variant, however the output from this modeling did not meet the statistical confidence thresholds required to predict the impact of this variant on DEAF1 protein function. In summary, the available evidence is currently insufficient to determine the role of this variant in disease. Therefore, it has been classified as a Variant of Uncertain Significance.